The following is an entry in ClinVar:

ClinVar aggregate classification (germline): Uncertain significance (1 of 4 stars; one submission).

Conditions:
Inborn genetic diseases. Identifiers: MedGen C0950123, MeSH D030342.

Submission:

Ambry Genetics
Classification: Uncertain significance for Inborn genetic diseases. Last evaluated: 2021-06-18. Review status: criteria provided, single submitter. Criteria: Ambry Variant Classification Scheme 2023. Collection method: clinical testing. Allele origin: germline.
Comment: The p.S1280I variant (also known as c.3839G>T), located in coding exon 28 of the DST gene, results from a G to T substitution at nucleotide position 3839. The serine at codon 1280 is replaced by isoleucine, an amino acid with dissimilar properties. This amino acid position is well conserved in available vertebrate species. In addition, this alteration is predicted to be deleterious by in silico analysis. Since supporting evidence is limited at this time, the clinical significance of this alteration remains unclear.

NM_001374736.1(DST):c.3938G>T (p.Ser1313Ile)

Gene: DST (dystonin; minus strand). Cytogenetic location: 6p12.1.
Variant type: single nucleotide variant.
Coding change: c.3938G>T on transcript NM_001374736.1 (MANE Select); coding-DNA position 3938, G replaced by T.
Protein change: p.Ser1313Ile; replaces serine 1313 with isoleucine.
Molecular consequence: missense variant.
Genome position (GRCh38, 1-based): chr6:56,631,908, C>A on the plus strand (G>T on the coding strand, the complement: DST is on the minus strand). VCF-style: chr6-56631908-C-A. GRCh37 (hg19) VCF-style: chr6-56496706-C-A.
Other names: c.3839G>T, p.Ser1280Ile (NM_001144769.5); c.3425G>T, p.Ser1142Ile (NM_001144770.2); c.3938G>T, p.Ser1313Ile (NM_001374722.1); c.3305G>T, p.Ser1102Ile (NM_001374729.1, NM_001374730.1, NM_001386100.1 and 1 more transcripts); c.3965G>T, p.Ser1322Ile (NM_001374734.1); c.2327G>T, p.Ser776Ile (NM_001723.7, NM_015548.5); short protein forms S1313I, S1322I, S1102I, S1142I, S1280I, S776I.
Identifiers: ClinVar variation 1735406 (VCV001735406.2), dbSNP rs2536989076, ClinGen allele CA364574797.